The following is an entry in ClinVar:

ClinVar aggregate classification (germline): Likely benign. Review status: criteria provided, multiple submitters, no conflicts (2 of 4 stars). 4 submissions from 4 submitters: Likely benign (4). Last evaluated 2025-10-18.

Conditions:
Skeletal overgrowth-craniofacial dysmorphism-hyperelastic skin-white matter lesions syndrome. Also called: SKELETAL OVERGROWTH WITH FACIAL DYSMORPHISM, HYPERELASTIC SKIN, WHITE MATTER LESIONS, AND NEUROLOGIC DETERIORATION; Kosaki overgrowth syndrome. Identifiers: Orphanet 477831, MedGen C4225270, MONDO:0014704, OMIM 616592.
Acroosteolysis-keloid-like lesions-premature aging syndrome. Also called: Premature aging syndrome, Penttinen type; Prematurely aged appearance, delayed bone maturation, acro-osteolysis, and brachydactyly; Progeroid syndrome, Penttinen type. Identifiers: Orphanet 363665, MedGen C1866182, MONDO:0011150, OMIM 601812.
Infantile myofibromatosis (IMF). Also called: Congenital generalized fibromatosis. Identifiers: Orphanet 2591, MedGen C0432284, MONDO:0016824.
Basal ganglia calcification, idiopathic, 4 (PFBC4). Also called: PRIMARY FAMILIAL BRAIN CALCIFICATION 4, AUTOSOMAL DOMINANT; Familial Idiopathic Basal Ganglia Calcification 4. Identifiers: Orphanet 1980, MedGen C3554321, MONDO:0014004, OMIM 615007.

Allele frequency attached by ClinVar (database versions not stated): gnomAD 0.00013; 1000 Genomes Project 0.00020; gnomAD exomes 0.00025 and 0.00056; TOPMed 0.00018; 1000 Genomes Project 30x 0.00016; ESP Exome Variant Server 0.00023; ExAC 0.00031.
gnomAD v4.1: 838 of 1,610,248 alleles (0.052%); highest among the groups gnomAD compares: Non-Finnish European, 0.068%; 1 homozygote.

Submissions (4):

Labcorp Genetics (formerly Invitae), Labcorp
Classification: Likely benign for Basal ganglia calcification, idiopathic, 4; Skeletal overgrowth-craniofacial dysmorphism-hyperelastic skin-white matter lesions syndrome; Infantile myofibromatosis; Acroosteolysis-keloid-like lesions-premature aging syndrome. Last evaluated: 2025-10-18. Review status: criteria provided, single submitter. Criteria: Invitae Variant Classification Sherloc (09022015). Collection method: clinical testing. Allele origin: germline.

CeGaT Center for Human Genetics Tuebingen
Classification: Likely benign. Last evaluated: 2025-03-01. Review status: criteria provided, single submitter. Criteria: CeGaT Center For Human Genetics Tuebingen Variant Classification Criteria Version 2. Collection method: clinical testing. Allele origin: germline. Affected: yes. Observed: 2 variant alleles.
Comment: PDGFRB: BP4, BP7

Blueprint Genetics
Classification: Likely benign. Last evaluated: 2024-10-24. Review status: criteria provided, single submitter. Criteria: ACMG Guidelines, 2015. Collection method: clinical testing. Allele origin: germline.

Breakthrough Genomics
Classification: Likely benign. Review status: criteria provided, single submitter. Criteria: ACMG Guidelines, 2015. Collection method: not provided. Allele origin: germline. Inheritance: Autosomal dominant inheritance. Affected: yes.

NM_002609.4(PDGFRB):c.3204C>T (p.Asp1068=)

Gene: PDGFRB (platelet derived growth factor receptor beta; minus strand). Cytogenetic location: 5q32.
Variant type: single nucleotide variant.
Coding change: c.3204C>T on transcript NM_002609.4 (MANE Select); coding-DNA position 3204, C replaced by T.
Protein change: p.Asp1068=; no amino-acid change (aspartic acid 1068 retained).
Molecular consequence: synonymous variant.
Genome position (GRCh38, 1-based): chr5:150,115,880, G>A on the plus strand (C>T on the coding strand, the complement: PDGFRB is on the minus strand). VCF-style: chr5-150115880-G-A. GRCh37 (hg19) VCF-style: chr5-149495443-G-A.
Other names: c.3012C>T, p.Asp1004= (NM_001355016.2); c.2721C>T, p.Asp907= (NM_001355017.2).
Identifiers: ClinVar variation 767315 (VCV000767315.32), dbSNP rs141511317, ClinGen allele CA3507382.